The following is an entry in ClinVar:

NM_003072.5(SMARCA4):c.842C>T (p.Pro281Leu)

Gene: SMARCA4 (SWI/SNF related BAF chromatin remodeling complex subunit ATPase 4; plus strand). Cytogenetic location: 19p13.2.
Variant type: single nucleotide variant.
Coding change: c.842C>T on transcript NM_003072.5 (MANE Select); coding-DNA position 842, C replaced by T.
Protein change: p.Pro281Leu; replaces proline 281 with leucine.
Molecular consequence: missense variant. On other transcripts: non-coding transcript variant (1).
Genome position (GRCh38, 1-based): chr19:10,986,986, C>T. VCF-style: chr19-10986986-C-T. GRCh37 (hg19) VCF-style: chr19-11097662-C-T.
Other names: c.842C>T, p.Pro281Leu (NM_001128844.3, NM_001128845.2, NM_001128846.2 and 6 more transcripts); short protein forms P281L.
Identifiers: ClinVar variation 3015946 (VCV003015946.3), dbSNP rs2145797775, ClinGen allele CA404058128.

ClinVar aggregate classification (germline): Uncertain significance (1 of 4 stars; one submission).

Conditions:
Rhabdoid tumor predisposition syndrome 2 (RTPS2). Identifiers: Orphanet 231108, Orphanet 69077, MedGen C2750074, MONDO:0013224, OMIM 613325.

Submission:

Labcorp Genetics (formerly Invitae), Labcorp
Classification: Uncertain significance for Rhabdoid tumor predisposition syndrome 2. Last evaluated: 2025-12-20. Review status: criteria provided, single submitter. Criteria: Invitae Variant Classification Sherloc (09022015). Collection method: clinical testing. Allele origin: germline.
Comment: This sequence change replaces proline, which is neutral and non-polar, with leucine, which is neutral and non-polar, at codon 281 of the SMARCA4 protein (p.Pro281Leu). This variant is not present in population databases (gnomAD no frequency). This variant has not been reported in the literature in individuals affected with SMARCA4-related conditions. ClinVar contains an entry for this variant (Variation ID: 3015946). An algorithm developed to predict the effect of missense changes on protein structure and function (PolyPhen-2) suggests that this variant is likely to be tolerated. In summary, the available evidence is currently insufficient to determine the role of this variant in disease. Therefore, it has been classified as a Variant of Uncertain Significance.